The following is an entry in ClinVar:

NM_001040716.2(PC):c.904-5_904-2del

Gene: PC (pyruvate carboxylase; minus strand). Cytogenetic location: 11q13.2.
Variant type: Deletion.
Coding change: c.904-5_904-2del on transcript NM_001040716.2 (MANE Select); 5 bases into the intron before coding-DNA position 904 through the canonical splice acceptor site of the intron before coding-DNA position 904, 4 bases deleted (CACA; older notation c.904-5_904-2delCACA).
Molecular consequence: splice acceptor variant.
Genome position (GRCh38, 1-based): chr11:66,868,966-66,868,969, TGTG deleted on the plus strand (CACA on the coding strand, the reverse complement: PC is on the minus strand). VCF-style (leftmost placement, unchanged base first): chr11-66868965-CTGTG-C. GRCh37 (hg19) VCF-style: chr11-66636436-CTGTG-C.
Other names: c.904-5_904-2del (NM_001439353.1, NM_000920.4, NM_001439352.1 and 5 more transcripts).
Identifiers: ClinVar variation 5004090 (VCV005004090.1).

ClinVar aggregate classification (germline): Likely pathogenic (1 of 4 stars; one submission).

Conditions:
Pyruvate carboxylase deficiency. Also called: PC DEFICIENCY; ATAXIA WITH LACTIC ACIDOSIS II; LEIGH NECROTIZING ENCEPHALOPATHY DUE TO PYRUVATE CARBOXYLASE DEFICIENCY; LEIGH SYNDROME DUE TO PYRUVATE CARBOXYLASE DEFICIENCY; Pyruvate Carboxylase Deficiency Disease. Identifiers: Orphanet 3008, MedGen C0034341, MONDO:0009949, OMIM 266150.

Submission:

Myriad Genetics, Inc.
Classification: Likely pathogenic for Pyruvate carboxylase deficiency. Last evaluated: 2025-07-30. Review status: criteria provided, single submitter. Criteria: Myriad Autosomal Dominant, Autosomal Recessive and X-Linked Classification Criteria (2023). Collection method: clinical testing. Allele origin: unknown.
Comment: NM_000920.3(PC):c.904-5_904-2delCACA is a variant in a canonical splice site classified as likely pathogenic in the context of pyruvate carboxylase deficiency. c.904-5_904-2delCACA has not been observed in cases with relevant disease. Relevant functional assessments of this variant are not available in the literature. c.904-5_904-2delCACA has not been observed in referenced population frequency databases. In summary, NM_000920.3(PC):c.904-5_904-2delCACA is a variant in a canonical splice site in a gene where loss of function is a known mechanism of disease and is predicted to disrupt protein function. Please note: this variant was assessed in the context of healthy population screening.